The following is an entry in ClinVar:

ClinVar aggregate classification (germline): Likely benign. Review status: criteria provided, multiple submitters, no conflicts (2 of 4 stars). 2 submissions from 2 submitters: Likely benign (2). Last evaluated 2025-06-09.

gnomAD v4.1: 129 of 1,613,648 alleles (0.008%); highest among the groups gnomAD compares: Non-Finnish European, 0.011%; no homozygotes.

Submissions (2):

Labcorp Genetics (formerly Invitae), Labcorp
Classification: Likely benign. Last evaluated: 2025-06-09. Review status: criteria provided, single submitter. Criteria: Invitae Variant Classification Sherloc (09022015). Collection method: clinical testing. Allele origin: germline.

CeGaT Center for Human Genetics Tuebingen
Classification: Likely benign. Last evaluated: 2025-01-01. Review status: criteria provided, single submitter. Criteria: CeGaT Center For Human Genetics Tuebingen Variant Classification Criteria Version 2. Collection method: clinical testing. Allele origin: germline. Affected: yes. Observed: 2 variant alleles.
Comment: NLRP1: BP4, BP7

NM_033004.4(NLRP1):c.2841G>A (p.Arg947=)

Gene: NLRP1 (NLR family pyrin domain containing 1; minus strand). Cytogenetic location: 17p13.2.
Variant type: single nucleotide variant.
Coding change: c.2841G>A on transcript NM_033004.4 (MANE Select); coding-DNA position 2841, G replaced by A.
Protein change: p.Arg947=; no amino-acid change (arginine 947 retained).
Molecular consequence: synonymous variant.
Genome position (GRCh38, 1-based): chr17:5,539,444, C>T on the plus strand (G>A on the coding strand, the complement: NLRP1 is on the minus strand). VCF-style: chr17-5539444-C-T. GRCh37 (hg19) VCF-style: chr17-5442764-C-T.
Other names: c.2841G>A, p.Arg947= (NM_001033053.3, NM_014922.5, NM_033006.4 and 1 more transcripts).
Identifiers: ClinVar variation 1610489 (VCV001610489.32), dbSNP rs143175019, ClinGen allele CA8327049.